The following is an entry in ClinVar:

NM_014915.3(ANKRD26):c.2878A>G (p.Ile960Val)

Gene: ANKRD26 (ankyrin repeat domain containing 26; minus strand). Cytogenetic location: 10p12.1.
Variant type: single nucleotide variant.
Coding change: c.2878A>G on transcript NM_014915.3 (MANE Select); coding-DNA position 2878, A replaced by G.
Protein change: p.Ile960Val; replaces isoleucine 960 with valine.
Molecular consequence: missense variant.
Genome position (GRCh38, 1-based): chr10:27,035,572, T>C on the plus strand (A>G on the coding strand, the complement: ANKRD26 is on the minus strand). VCF-style: chr10-27035572-T-C. GRCh37 (hg19) VCF-style: chr10-27324501-T-C.
Other names: c.2875A>G, p.Ile959Val (NM_001256053.2); short protein forms I960V, I959V.
Identifiers: ClinVar variation 3868354 (VCV003868354.1).

ClinVar aggregate classification (germline): Uncertain significance (1 of 4 stars; one submission).

Conditions:
Inborn genetic diseases. Identifiers: MedGen C0950123, MeSH D030342.

gnomAD v4.1: 15 of 1,613,666 alleles (0.00093%); highest among the groups gnomAD compares: Non-Finnish European, 0.0012%; no homozygotes.

Submission:

Ambry Genetics
Classification: Uncertain significance for Inborn genetic diseases. Last evaluated: 2024-12-20. Review status: criteria provided, single submitter. Criteria: Ambry Variant Classification Scheme 2023. Collection method: clinical testing. Allele origin: germline.
Comment: The p.I960V variant (also known as c.2878A>G), located in coding exon 24 of the ANKRD26 gene, results from an A to G substitution at nucleotide position 2878. The isoleucine at codon 960 is replaced by valine, an amino acid with highly similar properties. This amino acid position is conserved. In addition, this alteration is predicted to be tolerated by in silico analysis. Based on the available evidence, the clinical significance of this variant remains unclear.